The following is an entry in ClinVar:

NM_000313.4(PROS1):c.258A>G (p.Leu86=)

Gene: PROS1 (protein S; minus strand). Cytogenetic location: 3q11.1.
Variant type: single nucleotide variant.
Coding change: c.258A>G on transcript NM_000313.4 (MANE Select); coding-DNA position 258, A replaced by G.
Protein change: p.Leu86=; no amino-acid change (leucine 86 retained).
Molecular consequence: synonymous variant.
Genome position (GRCh38, 1-based): chr3:93,924,241, T>C on the plus strand (A>G on the coding strand, the complement: PROS1 is on the minus strand). VCF-style: chr3-93924241-T-C. GRCh37 (hg19) VCF-style: chr3-93643085-T-C.
Other names: c.354A>G, p.Leu118= (NM_001314077.2).
Identifiers: ClinVar variation 969063 (VCV000969063.8), dbSNP rs139964194, ClinGen allele CA2503543.

ClinVar aggregate classification (germline): Uncertain significance. Review status: criteria provided, multiple submitters, no conflicts (2 of 4 stars). 4 submissions from 4 submitters: Uncertain significance (3). 1 of the submissions does not count toward it. Last evaluated 2021-09-08.

Conditions:
Thrombophilia due to protein S deficiency, autosomal recessive (THPH6). Identifiers: Orphanet 743, MedGen C3281092, MONDO:0013791, OMIM 614514. Disease mechanism: loss of function.
PROS1-related disorder. Also called: PROS1-related condition.
Thrombophilia due to protein S deficiency, autosomal dominant (THPH5). Identifiers: Orphanet 26349, Orphanet 743, MedGen C3278211, MONDO:0012868, OMIM 612336. Disease mechanism: loss of function.

Allele frequency attached by ClinVar (database versions not stated): gnomAD exomes 0.00004 and 0.00008; ExAC 0.00016; 1000 Genomes Project 0.00020; 1000 Genomes Project 30x 0.00031; ESP Exome Variant Server 0.00039; gnomAD 0.00051 and 0.00058; TOPMed 0.00068.
gnomAD v4.1: 129 of 1,303,920 alleles (0.0099%); highest among the groups gnomAD compares: African/African-American, 0.16%; no homozygotes.

Submissions (4):

Fulgent Genetics
Classification: Uncertain significance for Thrombophilia due to protein S deficiency, autosomal dominant; Thrombophilia due to protein S deficiency, autosomal recessive. Last evaluated: 2021-09-08. Review status: criteria provided, single submitter. Criteria: ACMG Guidelines, 2015. Collection method: clinical testing. Allele origin: unknown.

Labcorp Genetics (formerly Invitae), Labcorp
Classification: Uncertain significance for Thrombophilia due to protein S deficiency, autosomal recessive. Last evaluated: 2020-02-24. Review status: criteria provided, single submitter. Criteria: Invitae Variant Classification Sherloc (09022015). Collection method: clinical testing. Allele origin: germline.
Comment: This sequence change affects codon 86 of the PROS1 mRNA. It is a 'silent' change, meaning that it does not change the encoded amino acid sequence of the PROS1 protein. This variant is present in population databases (rs139964194, ExAC 0.1%). This variant has not been reported in the literature in individuals with PROS1-related conditions. Algorithms developed to predict the effect of sequence changes on RNA splicing suggest that this variant is not likely to affect RNA splicing, but this prediction has not been confirmed by published transcriptional studies. In summary, the available evidence is currently insufficient to determine the role of this variant in disease. Therefore, it has been classified as a Variant of Uncertain Significance.

Breakthrough Genomics
Classification: Uncertain significance. Review status: criteria provided, single submitter. Criteria: ACMG Guidelines, 2015. Collection method: not provided. Allele origin: germline. Inheritance: Autosomal recessive inheritance. Affected: yes.

PreventionGenetics, part of Exact Sciences
Classification: Likely benign for PROS1-related condition. Last evaluated: 2019-11-14. Review status: no assertion criteria provided. Collection method: clinical testing. Allele origin: germline. Not counted in ClinVar's aggregate classification.
Comment: This variant is classified as likely benign based on ACMG/AMP sequence variant interpretation guidelines (Richards et al. 2015 PMID: 25741868, with internal and published modifications).